The following is an entry in ClinVar:

NM_177438.3(DICER1):c.2041G>C (p.Gly681Arg)

Gene: DICER1 (dicer 1, ribonuclease III; minus strand). Cytogenetic location: 14q32.13.
Variant type: single nucleotide variant.
Coding change: c.2041G>C on transcript NM_177438.3 (MANE Select); coding-DNA position 2041, G replaced by C.
Protein change: p.Gly681Arg; replaces glycine 681 with arginine.
Molecular consequence: missense variant. On other transcripts: non-coding transcript variant (6).
Genome position (GRCh38, 1-based): chr14:95,112,247, C>G on the plus strand (G>C on the coding strand, the complement: DICER1 is on the minus strand). VCF-style: chr14-95112247-C-G. GRCh37 (hg19) VCF-style: chr14-95578584-C-G.
Other names: c.1759G>C, p.Gly587Arg (NM_001395686.1); c.1636G>C, p.Gly546Arg (NM_001395687.1, NM_001395688.1, NM_001395689.1 and 3 more transcripts); c.1474G>C, p.Gly492Arg (NM_001395691.1); c.2041G>C, p.Gly681Arg (NM_001395692.1, NM_001395693.1, NM_001395694.1 and 13 more transcripts); c.358G>C, p.Gly120Arg (NM_001395697.1); short protein forms G681R, G120R, G492R, G546R, G587R.
Identifiers: ClinVar variation 2566182 (VCV002566182.4), dbSNP rs2542932453, ClinGen allele CA390883143.

ClinVar aggregate classification (germline): Uncertain significance. Review status: criteria provided, multiple submitters, no conflicts (2 of 4 stars). 2 submissions from 2 submitters: Uncertain significance (2). Last evaluated 2024-02-04.

Conditions:
Hereditary cancer-predisposing syndrome. Also called: Neoplastic Syndromes, Hereditary; Hereditary Cancer Syndrome; Tumor predisposition; Hereditary neoplastic syndrome. Identifiers: Orphanet 140162, MedGen C0027672, MeSH D009386, MONDO:0015356.
DICER1-related tumor predisposition. Also called: DICER1 syndrome; DICER1-related pleuropulmonary blastoma cancer predisposition syndrome. Identifiers: Orphanet 284343, MedGen C3839822, MONDO:0100216.

Submissions (2):

Labcorp Genetics (formerly Invitae), Labcorp
Classification: Uncertain significance for DICER1-related tumor predisposition. Last evaluated: 2024-02-04. Review status: criteria provided, single submitter. Criteria: Invitae Variant Classification Sherloc (09022015). Collection method: clinical testing. Allele origin: germline.
Comment: This sequence change replaces glycine, which is neutral and non-polar, with arginine, which is basic and polar, at codon 681 of the DICER1 protein (p.Gly681Arg). This variant is not present in population databases (gnomAD no frequency). This variant has not been reported in the literature in individuals affected with DICER1-related conditions. ClinVar contains an entry for this variant (Variation ID: 2566182). An algorithm developed to predict the effect of missense changes on protein structure and function (PolyPhen-2) suggests that this variant is likely to be disruptive. In summary, the available evidence is currently insufficient to determine the role of this variant in disease. Therefore, it has been classified as a Variant of Uncertain Significance.

Ambry Genetics
Classification: Uncertain significance for Hereditary cancer-predisposing syndrome. Last evaluated: 2023-04-23. Review status: criteria provided, single submitter. Criteria: Ambry Variant Classification Scheme 2023. Collection method: clinical testing. Allele origin: germline.
Comment: The p.G681R variant (also known as c.2041G>C) is located in coding exon 12 of the DICER1 gene. The glycine at codon 681 is replaced by arginine, an amino acid with dissimilar properties. This change occurs in the first base pair of coding exon 12. This amino acid position is conserved. In addition, this alteration is predicted to be deleterious by in silico analysis. Since supporting evidence is limited at this time, the clinical significance of this alteration remains unclear.